The following is an entry in ClinVar:

NM_000257.4(MYH7):c.3298C>T (p.Leu1100Phe)

Gene: MYH7 (myosin heavy chain 7; minus strand). Cytogenetic location: 14q11.2.
Variant type: single nucleotide variant.
Coding change: c.3298C>T on transcript NM_000257.4 (MANE Select); coding-DNA position 3298, C replaced by T.
Protein change: p.Leu1100Phe; replaces leucine 1100 with phenylalanine.
Molecular consequence: missense variant.
Genome position (GRCh38, 1-based): chr14:23,420,996, G>A on the plus strand (C>T on the coding strand, the complement: MYH7 is on the minus strand). VCF-style: chr14-23420996-G-A. GRCh37 (hg19) VCF-style: chr14-23890205-G-A.
Other names: c.3298C>T, p.Leu1100Phe (NM_001407004.1); short protein forms L1100F.
Identifiers: ClinVar variation 1941464 (VCV001941464.5), dbSNP rs2502268028, ClinGen allele CA389044416.

ClinVar aggregate classification (germline): Uncertain significance (1 of 4 stars; one submission).

Conditions:
Hypertrophic cardiomyopathy. Also called: HYPERTROPHIC MYOCARDIOPATHY. Identifiers: Orphanet 217569, MedGen C0007194, MeSH D002312, MONDO:0005045, HP:0001639.

Submission:

Labcorp Genetics (formerly Invitae), Labcorp
Classification: Uncertain significance for Hypertrophic cardiomyopathy. Last evaluated: 2025-01-27. Review status: criteria provided, single submitter. Criteria: Invitae Variant Classification Sherloc (09022015). Collection method: clinical testing. Allele origin: germline.
Comment: This sequence change replaces leucine, which is neutral and non-polar, with phenylalanine, which is neutral and non-polar, at codon 1100 of the MYH7 protein (p.Leu1100Phe). This variant is not present in population databases (gnomAD no frequency). This variant has not been reported in the literature in individuals affected with MYH7-related conditions. ClinVar contains an entry for this variant (Variation ID: 1941464). Invitae Evidence Modeling of protein sequence and biophysical properties (such as structural, functional, and spatial information, amino acid conservation, physicochemical variation, residue mobility, and thermodynamic stability) indicates that this missense variant is expected to disrupt MYH7 protein function with a positive predictive value of 95%. In summary, the available evidence is currently insufficient to determine the role of this variant in disease. Therefore, it has been classified as a Variant of Uncertain Significance.